The following is an entry in ClinVar:

ClinVar aggregate classification (germline): Uncertain significance (1 of 4 stars; one submission).

Conditions:
STING-associated vasculopathy with onset in infancy. Also called: Sting-associated vasculopathy, infantile-onset. Identifiers: Orphanet 425120, MedGen C4014722, MONDO:0014405, OMIM 615934.

Submission:

Labcorp Genetics (formerly Invitae), Labcorp
Classification: Uncertain significance for STING-associated vasculopathy with onset in infancy. Last evaluated: 2024-10-26. Review status: criteria provided, single submitter. Criteria: Invitae Variant Classification Sherloc (09022015). Collection method: clinical testing. Allele origin: germline.
Comment: This sequence change replaces arginine, which is basic and polar, with leucine, which is neutral and non-polar, at codon 180 of the TMEM173 protein (p.Arg180Leu). This variant is present in population databases (rs759123296, gnomAD 0.0009%). This variant has not been reported in the literature in individuals affected with TMEM173-related conditions. Invitae Evidence Modeling of protein sequence and biophysical properties (such as structural, functional, and spatial information, amino acid conservation, physicochemical variation, residue mobility, and thermodynamic stability) indicates that this missense variant is not expected to disrupt TMEM173 protein function with a negative predictive value of 80%. Algorithms developed to predict the effect of sequence changes on RNA splicing suggest that this variant may create or strengthen a splice site. In summary, the available evidence is currently insufficient to determine the role of this variant in disease. Therefore, it has been classified as a Variant of Uncertain Significance.

NM_198282.4(STING1):c.539G>T (p.Arg180Leu)

Gene: STING1 (stimulator of interferon response cGAMP interactor 1; minus strand). Cytogenetic location: 5q31.2.
Variant type: single nucleotide variant.
Coding change: c.539G>T on transcript NM_198282.4 (MANE Select); coding-DNA position 539, G replaced by T.
Protein change: p.Arg180Leu; replaces arginine 180 with leucine.
Molecular consequence: missense variant.
Genome position (GRCh38, 1-based): chr5:139,478,490, C>A on the plus strand (G>T on the coding strand, the complement: STING1 is on the minus strand). VCF-style: chr5-139478490-C-A. GRCh37 (hg19) VCF-style: chr5-138858075-C-A.
Other names: c.539G>T, p.Arg180Leu (NM_001301738.2); c.182G>T, p.Arg61Leu (NM_001367258.1); short protein forms R180L, R61L.
Identifiers: ClinVar variation 3611433 (VCV003611433.2).